The following is an entry in ClinVar:

ClinVar aggregate classification (germline): Uncertain significance (1 of 4 stars; one submission).

Allele frequency attached by ClinVar (database versions not stated): gnomAD 0.00006 and 0.00007.
gnomAD v4.1: 139 of 1,614,046 alleles (0.0086%); highest among the groups gnomAD compares: Middle Eastern, 0.016%; no homozygotes.

Submission:

Labcorp Genetics (formerly Invitae), Labcorp
Classification: Uncertain significance. Last evaluated: 2025-01-06. Review status: criteria provided, single submitter. Criteria: Invitae Variant Classification Sherloc (09022015). Collection method: clinical testing. Allele origin: germline.
Comment: This sequence change replaces valine, which is neutral and non-polar, with methionine, which is neutral and non-polar, at codon 470 of the ARHGEF10 protein (p.Val470Met). This variant is present in population databases (rs201694611, gnomAD 0.007%). This variant has not been reported in the literature in individuals affected with ARHGEF10-related conditions. ClinVar contains an entry for this variant (Variation ID: 1523904). Invitae Evidence Modeling of protein sequence and biophysical properties (such as structural, functional, and spatial information, amino acid conservation, physicochemical variation, residue mobility, and thermodynamic stability) indicates that this missense variant is not expected to disrupt ARHGEF10 protein function with a negative predictive value of 80%. In summary, the available evidence is currently insufficient to determine the role of this variant in disease. Therefore, it has been classified as a Variant of Uncertain Significance.

NM_014629.4(ARHGEF10):c.1408G>A (p.Val470Met)

Gene: ARHGEF10 (Rho guanine nucleotide exchange factor 10; plus strand). Cytogenetic location: 8p23.3.
Variant type: single nucleotide variant.
Coding change: c.1408G>A on transcript NM_014629.4 (MANE Select); coding-DNA position 1408, G replaced by A.
Protein change: p.Val470Met; replaces valine 470 with methionine.
Molecular consequence: missense variant.
Genome position (GRCh38, 1-based): chr8:1,894,540, G>A. VCF-style: chr8-1894540-G-A. GRCh37 (hg19) VCF-style: chr8-1842706-G-A.
Other names: c.1294G>A, p.Val432Met (NM_001308152.2); c.1411G>A, p.Val471Met (NM_001308153.3); short protein forms V432M, V495M, V470M, V471M.
Identifiers: ClinVar variation 1523904 (VCV001523904.8), dbSNP rs201694611, ClinGen allele CA4600351.